The following is an entry in ClinVar:

NM_001348716.2(KDM6B):c.2652G>A (p.Ala884=)

Gene: KDM6B (lysine demethylase 6B; plus strand). Cytogenetic location: 17p13.1.
Variant type: single nucleotide variant.
Coding change: c.2652G>A on transcript NM_001348716.2 (MANE Select); coding-DNA position 2652, G replaced by A.
Protein change: p.Ala884=; no amino-acid change (alanine 884 retained).
Molecular consequence: synonymous variant.
Genome position (GRCh38, 1-based): chr17:7,848,940, G>A. VCF-style: chr17-7848940-G-A. GRCh37 (hg19) VCF-style: chr17-7752258-G-A.
Other names: c.2652G>A, p.Ala884= (NM_001080424.2).
Identifiers: ClinVar variation 730747 (VCV000730747.30), dbSNP rs779781827, ClinGen allele CA8360967.

ClinVar aggregate classification (germline): Likely benign. Review status: criteria provided, multiple submitters, no conflicts (2 of 4 stars). 4 submissions from 4 submitters: Likely benign (4). Last evaluated 2026-09-01.

Allele frequency attached by ClinVar (database versions not stated): 1000 Genomes Project 30x 0.00016; gnomAD exomes 0.00044; ExAC 0.00047; TOPMed 0.00057; gnomAD 0.00058 and 0.00061.
gnomAD v4.1: 896 of 1,596,066 alleles (0.056%); highest among the groups gnomAD compares: Middle Eastern, 0.1%; 3 homozygotes.

Submissions (4):

CeGaT Center for Human Genetics Tuebingen
Classification: Likely benign. Last evaluated: 2026-09-01. Review status: criteria provided, single submitter. Criteria: CeGaT Center For Human Genetics Tuebingen Variant Classification Criteria Version 2. Collection method: clinical testing. Allele origin: germline. Affected: yes. Observed: 6 variant alleles.
Comment: KDM6B: BP4, BP7

Blueprint Genetics
Classification: Likely benign. Last evaluated: 2024-11-25. Review status: criteria provided, single submitter. Criteria: ACMG Guidelines, 2015. Collection method: clinical testing. Allele origin: germline.

Labcorp Genetics (formerly Invitae), Labcorp
Classification: Likely benign. Last evaluated: 2018-05-23. Review status: criteria provided, single submitter. Criteria: Invitae Variant Classification Sherloc (09022015). Collection method: clinical testing. Allele origin: germline.

Breakthrough Genomics
Classification: Likely benign. Review status: criteria provided, single submitter. Criteria: ACMG Guidelines, 2015. Collection method: not provided. Allele origin: germline. Inheritance: Autosomal dominant inheritance. Affected: yes.